The following is an entry in ClinVar:

NM_000543.5(SMPD1):c.1720T>G (p.Phe574Val)

Gene: SMPD1 (sphingomyelin phosphodiesterase 1; plus strand). Cytogenetic location: 11p15.4.
Variant type: single nucleotide variant.
Coding change: c.1720T>G on transcript NM_000543.5 (MANE Select); coding-DNA position 1720, T replaced by G.
Protein change: p.Phe574Val; replaces phenylalanine 574 with valine.
Molecular consequence: missense variant. On other transcripts: 3 prime UTR variant (1), non-coding transcript variant (2).
Genome position (GRCh38, 1-based): chr11:6,394,431, T>G. VCF-style: chr11-6394431-T-G. GRCh37 (hg19) VCF-style: chr11-6415661-T-G.
Other names: c.1717T>G, p.Phe573Val (NM_001007593.3); c.*213T>G (NM_001318087.2); c.1720T>G (NM_000543.4); c.799T>G, p.Phe267Val (NM_001318088.2); c.1588T>G, p.Phe530Val (NM_001365135.2); short protein forms F530V, F267V, F573V, F574V.
Identifiers: ClinVar variation 2070825 (VCV002070825.5), dbSNP rs2493823456, ClinGen allele CA379376891.

ClinVar aggregate classification (germline): Uncertain significance. Review status: criteria provided, multiple submitters, no conflicts (2 of 4 stars). 2 submissions from 2 submitters: Uncertain significance (2). Last evaluated 2024-12-17.

Conditions:
Niemann-Pick disease, type A. Also called: Infantile Neurovisceral ASMD (Niemann-Pick Disease Type A; NPD-A); SPHINGOMYELIN LIPIDOSIS; SPHINGOMYELINASE DEFICIENCY. Identifiers: Orphanet 77292, MedGen C0268242, MONDO:0009756, OMIM 257200. Disease mechanism: loss of function.
Niemann-Pick disease, type B. Also called: Chronic Visceral ASMD (Niemann-Pick Disease Type B; NPD-B). Identifiers: Orphanet 77293, MedGen C0268243, MONDO:0011871, OMIM 607616. Disease mechanism: loss of function.
SMPD1-related disorder. Also called: SMPD1-related condition.

Allele frequency attached by ClinVar (database versions not stated): gnomAD exomes 0.00001.

Submissions (2):

PreventionGenetics, part of Exact Sciences
Classification: Uncertain significance for SMPD1-related condition. Last evaluated: 2024-12-17. Review status: criteria provided, single submitter. Criteria: ACMG Guidelines, 2015. Collection method: clinical testing. Allele origin: germline.
Comment: The SMPD1 c.1720T>G variant is predicted to result in the amino acid substitution p.Phe574Val. To our knowledge, this variant has not been reported in the literature or in a large population database (gnomAD), indicating this variant is rare. At this time, the clinical significance of this variant is uncertain due to the absence of conclusive functional and genetic evidence.

Labcorp Genetics (formerly Invitae), Labcorp
Classification: Uncertain significance for Niemann-Pick disease, type B; Niemann-Pick disease, type A. Last evaluated: 2023-10-28. Review status: criteria provided, single submitter. Criteria: Invitae Variant Classification Sherloc (09022015). Collection method: clinical testing. Allele origin: germline.
Comment: This sequence change replaces phenylalanine, which is neutral and non-polar, with valine, which is neutral and non-polar, at codon 574 of the SMPD1 protein (p.Phe574Val). This variant is not present in population databases (gnomAD no frequency). This variant has not been reported in the literature in individuals affected with SMPD1-related conditions. ClinVar contains an entry for this variant (Variation ID: 2070825). Advanced modeling of protein sequence and biophysical properties (such as structural, functional, and spatial information, amino acid conservation, physicochemical variation, residue mobility, and thermodynamic stability) performed at Invitae indicates that this missense variant is expected to disrupt SMPD1 protein function with a positive predictive value of 95%. In summary, the available evidence is currently insufficient to determine the role of this variant in disease. Therefore, it has been classified as a Variant of Uncertain Significance.